The following is an entry in ClinVar:

ClinVar aggregate classification (germline): Uncertain significance (1 of 4 stars; one submission).

Conditions:
Inosine triphosphatase deficiency. Also called: INOSINE TRIPHOSPHATE PYROPHOSPHOHYDROLASE DEFICIENCY. Identifiers: MedGen C0342800, MONDO:0013461, OMIM 613850.

Allele frequency attached by ClinVar (database versions not stated): gnomAD exomes below 0.00001; gnomAD 0.00001; TOPMed 0.00002.
gnomAD v4.1: 5 of 1,613,920 alleles (0.00031%); highest among the groups gnomAD compares: African/African-American, 0.0053%; no homozygotes.

Submission:

Labcorp Genetics (formerly Invitae), Labcorp
Classification: Uncertain significance for Inosine triphosphatase deficiency. Last evaluated: 2022-08-07. Review status: criteria provided, single submitter. Criteria: Invitae Variant Classification Sherloc (09022015). Collection method: clinical testing. Allele origin: germline.
Comment: In summary, the available evidence is currently insufficient to determine the role of this variant in disease. Therefore, it has been classified as a Variant of Uncertain Significance. Algorithms developed to predict the effect of sequence changes on RNA splicing suggest that this variant may disrupt the consensus splice site. This variant has not been reported in the literature in individuals affected with ITPA-related conditions. This variant is present in population databases (no rsID available, gnomAD 0.02%). This sequence change falls in intron 2 of the ITPA gene. It does not directly change the encoded amino acid sequence of the ITPA protein.

NM_033453.4(ITPA):c.125-5A>G

Gene: ITPA (inosine triphosphatase; plus strand). Cytogenetic location: 20p13.
Variant type: single nucleotide variant.
Coding change: c.125-5A>G on transcript NM_033453.4 (MANE Select); 5 bases into the intron before coding-DNA position 125, A replaced by G.
Molecular consequence: intron variant. On other transcripts: 5 prime UTR variant (3).
Genome position (GRCh38, 1-based): chr20:3,213,314, A>G. VCF-style: chr20-3213314-A-G. GRCh37 (hg19) VCF-style: chr20-3193960-A-G.
Other names: c.-218A>G (NM_001324236.2, NM_001324238.2, NM_001351739.2); c.-213-5A>G (NM_001324237.2); c.125-5A>G (NM_001324240.2); c.67-671A>G (NM_001267623.2); c.74-5A>G (NM_181493.4).
Identifiers: ClinVar variation 2081158 (VCV002081158.4), dbSNP rs1433689808, ClinGen allele CA634172148.